The following is an entry in ClinVar:

ClinVar aggregate classification (germline): Uncertain significance. Review status: criteria provided, multiple submitters, no conflicts (2 of 4 stars). 2 submissions from 2 submitters: Uncertain significance (2). Last evaluated 2025-10-07.

Conditions:
DICER1-related tumor predisposition. Also called: DICER1 syndrome; DICER1-related pleuropulmonary blastoma cancer predisposition syndrome. Identifiers: Orphanet 284343, MedGen C3839822, MONDO:0100216.
Hereditary cancer-predisposing syndrome. Also called: Neoplastic Syndromes, Hereditary; Hereditary Cancer Syndrome; Hereditary neoplastic syndrome; Tumor predisposition. Identifiers: Orphanet 140162, MedGen C0027672, MeSH D009386, MONDO:0015356.

gnomAD v4.1: 1 of 1,613,162 alleles (0.000062%); highest among the groups gnomAD compares: East Asian, 0.0022%; no homozygotes.

Submissions (2):

Labcorp Genetics (formerly Invitae), Labcorp
Classification: Uncertain significance for DICER1-related tumor predisposition. Last evaluated: 2025-10-07. Review status: criteria provided, single submitter. Criteria: Invitae Variant Classification Sherloc (09022015). Collection method: clinical testing. Allele origin: germline.
Comment: This sequence change replaces aspartic acid, which is acidic and polar, with asparagine, which is neutral and polar, at codon 660 of the DICER1 protein (p.Asp660Asn). This variant is present in population databases (no rsID available, gnomAD 0.006%). This variant has not been reported in the literature in individuals affected with DICER1-related conditions. ClinVar contains an entry for this variant (Variation ID: 640337). Invitae Evidence Modeling of protein sequence and biophysical properties (such as structural, functional, and spatial information, amino acid conservation, physicochemical variation, residue mobility, and thermodynamic stability) indicates that this missense variant is not expected to disrupt DICER1 protein function with a negative predictive value of 95%. In summary, the available evidence is currently insufficient to determine the role of this variant in disease. Therefore, it has been classified as a Variant of Uncertain Significance.

Ambry Genetics
Classification: Uncertain significance for Hereditary cancer-predisposing syndrome. Last evaluated: 2025-06-26. Review status: criteria provided, single submitter. Criteria: Ambry Variant Classification Scheme 2023. Collection method: clinical testing. Allele origin: germline.
Comment: The p.D660N variant (also known as c.1978G>A), located in coding exon 11 of the DICER1 gene, results from a G to A substitution at nucleotide position 1978. The aspartic acid at codon 660 is replaced by asparagine, an amino acid with highly similar properties. This amino acid position is highly conserved in available vertebrate species. In addition, this alteration is predicted to be tolerated by in silico analysis. Based on the available evidence, the clinical significance of this variant remains unclear.

NM_177438.3(DICER1):c.1978G>A (p.Asp660Asn)

Gene: DICER1 (dicer 1, ribonuclease III; minus strand). Cytogenetic location: 14q32.13.
Variant type: single nucleotide variant.
Coding change: c.1978G>A on transcript NM_177438.3 (MANE Select); coding-DNA position 1978, G replaced by A.
Protein change: p.Asp660Asn; replaces aspartic acid 660 with asparagine.
Molecular consequence: missense variant.
Genome position (GRCh38, 1-based): chr14:95,113,154, C>T on the plus strand (G>A on the coding strand, the complement: DICER1 is on the minus strand). VCF-style: chr14-95113154-C-T. GRCh37 (hg19) VCF-style: chr14-95579491-C-T.
Other names: c.1978G>A, p.Asp660Asn (NM_001195573.1, NM_001271282.3, NM_001291628.2 and 1 more transcripts); short protein forms D660N.
Identifiers: ClinVar variation 640337 (VCV000640337.15), dbSNP rs773588526, ClinGen allele CA390883305.